The following is an entry in ClinVar:

NC_000019.9:g.(?_13186329)_(13189569_?)dup

Gene: NFIX (nuclear factor I X; plus strand). Cytogenetic location: 19p13.13.
Variant type: Duplication.
Identifiers: ClinVar variation 665055 (VCV000665055.9).

ClinVar aggregate classification (germline): Pathogenic (1 of 4 stars; one submission).

Conditions:
Malan overgrowth syndrome (MALNS). Also called: NFIX-Related Malan Syndrome; MALAN SYNDROME; Sotos syndrome 2. Identifiers: Orphanet 420179, MedGen C3553660, MONDO:0013885, OMIM 614753.
Marshall-Smith syndrome (MRSHSS). Identifiers: Orphanet 561, MedGen C0265211, MONDO:0011244, OMIM 602535.

Submission:

Labcorp Genetics (formerly Invitae), Labcorp
Classification: Pathogenic for Malan overgrowth syndrome; Marshall-Smith syndrome. Last evaluated: 2018-12-11. Review status: criteria provided, single submitter. Criteria: Invitae Variant Classification Sherloc (09022015). Collection method: clinical testing. Allele origin: germline.
Comment: For these reasons, this variant has been classified as Pathogenic. Loss-of-function variants in NFIX are known to be pathogenic (PMID:¬†20673863, 25118028). This variant results in a copy number gain of the genomic region encompassing exons 6 to 7 of the NFIX gene. While the exact position of this variant cannot be determined from this data, sub-genic copy number gains are generally in tandem (PMID: 25640679) and may result in an absent or disrupted protein product.

Literature cited by the submitters: PubMed 25640679.